The following is an entry in ClinVar:

NM_001136018.4(EPHX1):c.823A>G (p.Thr275Ala)

Gene: EPHX1 (epoxide hydrolase 1; plus strand). Cytogenetic location: 1q42.12.
Variant type: single nucleotide variant.
Coding change: c.823A>G on transcript NM_001136018.4 (MANE Select); coding-DNA position 823, A replaced by G.
Protein change: p.Thr275Ala; replaces threonine 275 with alanine.
Molecular consequence: missense variant. On other transcripts: non-coding transcript variant (3), intron variant (1).
Genome position (GRCh38, 1-based): chr1:225,839,929, A>G. VCF-style: chr1-225839929-A-G. GRCh37 (hg19) VCF-style: chr1-226027630-A-G.
Other names: c.823A>G, p.Thr275Ala (NM_000120.4, NM_001291163.2, NM_001378426.1 and 3 more transcripts); c.796A>G, p.Thr266Ala (NM_001378428.1); c.595A>G, p.Thr199Ala (NM_001378431.1); c.365-2437A>G (NM_001378432.1); short protein forms T275A, T199A, T266A.
Identifiers: ClinVar variation 561152 (VCV000561152.4), dbSNP rs35073925, ClinGen allele CA1418529.

ClinVar aggregate classification (germline): Conflicting classifications of pathogenicity. Review status: criteria provided, conflicting classifications (1 of 4 stars). 2 submissions from 2 submitters: Uncertain significance (1); Likely benign (1). Last evaluated 2026-01-30.

Conditions:
Hypercholanemia, familial 1 (FHCA1). Identifiers: Orphanet 238475, MedGen C5542604, MONDO:0031446, OMIM 607748.
EPHX1-related disorder. Also called: EPHX1-related condition.

Allele frequency attached by ClinVar (database versions not stated): gnomAD 0.00063 and 0.00044; TOPMed 0.00068; ExAC 0.00123; gnomAD exomes 0.00142 and 0.00042; 1000 Genomes Project 0.00280; 1000 Genomes Project 30x 0.00297.
gnomAD v4.1: 777 of 1,614,200 alleles (0.048%); highest among the groups gnomAD compares: East Asian, 1.5%; 7 homozygotes.

Submissions (2):

PreventionGenetics, part of Exact Sciences
Classification: Likely benign for EPHX1-related condition. Last evaluated: 2026-01-30. Review status: criteria provided, single submitter. Criteria: ACMG Guidelines, 2015. Collection method: clinical testing. Allele origin: germline.
Comment: This variant is classified as likely benign based on ACMG/AMP sequence variant interpretation guidelines (Richards et al. 2015 PMID: 25741868, with internal and published modifications).

Baylor Genetics
Classification: Uncertain significance for Hypercholanemia, familial 1. Last evaluated: 2017-09-01. Review status: criteria provided, single submitter. Criteria: ACMG Guidelines, 2015. Collection method: clinical testing. Allele origin: germline. Inheritance: Autosomal recessive inheritance. Affected: yes.
Comment: Heterozygotes would be expected to be asymptomatic carriers.

Literature cited by the submitters: PubMed 25326635 (cited by Baylor Genetics).